The following is an entry in ClinVar:

ClinVar aggregate classification (germline): Pathogenic. Review status: criteria provided, multiple submitters, no conflicts (2 of 4 stars). 2 submissions from 2 submitters: Pathogenic (2). Last evaluated 2019-05-28.

Conditions:
Duchenne muscular dystrophy (DMD). Also called: Duchenne Muscular Dystrophy (DMD); MUSCULAR DYSTROPHY, PSEUDOHYPERTROPHIC PROGRESSIVE, DUCHENNE TYPE. Identifiers: Orphanet 98896, MedGen C0013264, MONDO:0010679, OMIM 310200.

Submissions (2):

Mendelics
Classification: Pathogenic for Duchenne muscular dystrophy. Last evaluated: 2019-05-28. Review status: criteria provided, single submitter. Criteria: Mendelics Assertion Criteria 2017. Collection method: clinical testing. Allele origin: unknown.

Labcorp Genetics (formerly Invitae), Labcorp
Classification: Pathogenic for Duchenne muscular dystrophy. Last evaluated: 2018-03-07. Review status: criteria provided, single submitter. Criteria: Invitae Variant Classification Sherloc (09022015). Collection method: clinical testing. Allele origin: germline.
Comment: This sequence change creates a premature translational stop signal (p.Leu1451*) in the DMD gene. It is expected to result in an absent or disrupted protein product. A different variant (c.4352T>A) giving rise to the same protein effect observed here (p.Leu1451*) has been reported in an individual affected with Duchenne muscular dystrophy (PMID: 19937601). For these reasons, this variant has been classified as Pathogenic. Loss-of-function variants in DMD are known to be pathogenic (PMID: 16770791, 25007885). This variant has not been reported in the literature in individuals with DMD-related disease. This variant is not present in population databases (ExAC no frequency).

Literature cited by the submitters: PubMed 19937601 (cited by Labcorp Genetics (formerly Invitae), Labcorp); PubMed 16770791 (cited by Labcorp Genetics (formerly Invitae), Labcorp); PubMed 25007885 (cited by Labcorp Genetics (formerly Invitae), Labcorp).

NM_004006.3(DMD):c.4352T>G (p.Leu1451Ter)

Gene: DMD (dystrophin; minus strand). Cytogenetic location: Xp21.1.
Variant type: single nucleotide variant.
Coding change: c.4352T>G on transcript NM_004006.3 (MANE Select); coding-DNA position 4352, T replaced by G.
Protein change: p.Leu1451Ter; replaces leucine 1451 with a stop codon.
Molecular consequence: nonsense.
Genome position (GRCh38, 1-based): chrX:32,389,667, A>C on the plus strand (T>G on the coding strand, the complement: DMD is on the minus strand). VCF-style: chrX-32389667-A-C. GRCh37 (hg19) VCF-style: chrX-32407784-A-C.
Other names: c.4328T>G, p.Leu1443Ter (NM_000109.4); c.4340T>G, p.Leu1447Ter (NM_004009.3); c.3983T>G, p.Leu1328Ter (NM_004010.3); c.329T>G, p.Leu110Ter (NM_004011.4); c.320T>G, p.Leu107Ter (NM_004012.4); short protein forms L110*, L1328*, L1447*, L1451*, L107*, L1443*.
Identifiers: ClinVar variation 803876 (VCV000803876.10), dbSNP rs1603632316, ClinGen allele CA412663793.